The following is an entry in ClinVar:

NM_015346.4(ZFYVE26):c.3271C>T (p.Leu1091Phe)

Gene: ZFYVE26 (zinc finger FYVE-type containing 26; minus strand). Cytogenetic location: 14q24.1.
Variant type: single nucleotide variant.
Coding change: c.3271C>T on transcript NM_015346.4 (MANE Select); coding-DNA position 3271, C replaced by T.
Protein change: p.Leu1091Phe; replaces leucine 1091 with phenylalanine.
Molecular consequence: missense variant.
Genome position (GRCh38, 1-based): chr14:67,785,891, G>A on the plus strand (C>T on the coding strand, the complement: ZFYVE26 is on the minus strand). VCF-style: chr14-67785891-G-A. GRCh37 (hg19) VCF-style: chr14-68252608-G-A.
Other names: short protein forms L1091F.
Identifiers: ClinVar variation 2157020 (VCV002157020.2), dbSNP rs746199954, ClinGen allele CA7240040.

ClinVar aggregate classification (germline): Uncertain significance. Review status: criteria provided, multiple submitters, no conflicts (2 of 4 stars). 2 submissions from 2 submitters: Uncertain significance (2). Last evaluated 2022-10-05.

Conditions:
Spastic paraplegia. Identifiers: MedGen C0037772, HP:0001258.

Allele frequency attached by ClinVar (database versions not stated): TOPMed below 0.00001; gnomAD 0.00001; ExAC 0.00002.
gnomAD v4.1: 9 of 1,614,072 alleles (0.00056%); highest among the groups gnomAD compares: East Asian, 0.0022%; no homozygotes.

Submissions (2):

Labcorp Genetics (formerly Invitae), Labcorp
Classification: Uncertain significance for Spastic paraplegia. Last evaluated: 2022-10-05. Review status: criteria provided, single submitter. Criteria: Invitae Variant Classification Sherloc (09022015). Collection method: clinical testing. Allele origin: germline.
Comment: This sequence change replaces leucine, which is neutral and non-polar, with phenylalanine, which is neutral and non-polar, at codon 1091 of the ZFYVE26 protein (p.Leu1091Phe). This variant is present in population databases (rs746199954, gnomAD 0.006%). This variant has not been reported in the literature in individuals affected with ZFYVE26-related conditions. Algorithms developed to predict the effect of missense changes on protein structure and function are either unavailable or do not agree on the potential impact of this missense change (SIFT: "Tolerated"; PolyPhen-2: "Probably Damaging"; Align-GVGD: "Class C0"). In summary, the available evidence is currently insufficient to determine the role of this variant in disease. Therefore, it has been classified as a Variant of Uncertain Significance.

Blueprint Genetics
Classification: Uncertain significance. Last evaluated: 2019-03-01. Review status: criteria provided, single submitter. Criteria: ACMG Guidelines, 2015. Collection method: clinical testing. Allele origin: germline.